The following is an entry in ClinVar:

ClinVar aggregate classification (germline): Uncertain significance (1 of 4 stars; one submission).

Conditions:
Leigh syndrome (NULS). Also called: Leigh's necrotizing encephalopathy; Leigh's disease; Leigh Syndrome (mtDNA deletion); Leigh Disease; Subacute necrotizing encephalopathy; Necrotizing encephalopathy infantile subacute of Leigh. Identifiers: Orphanet 506, MedGen C2931891, MONDO:0009723, OMIM 256000.

Submission:

Wong Mito Lab, Molecular and Human Genetics, Baylor College of Medicine
Classification: Uncertain significance for Leigh syndrome. Last evaluated: 2019-10-17. Review status: criteria provided, single submitter. Criteria: Modified ACMG Guidelines (Unpublished). Collection method: clinical testing. Allele origin: germline.
Comment: The NC_012920.1:m.7125A>G (YP_003024028.1:p.Thr408Ala) variant in MTCO1 gene is interpretated to be a Uncertain Significance variant based on the modified ACMG guidelines (unpublished). This variant meets the following evidence codes: BP4

NC_012920.1(MT-CO1):m.7125A>G

Gene: MT-CO1 (mitochondrially encoded cytochrome c oxidase I; plus strand).
Variant type: single nucleotide variant.
Genome position: chrM-7125-A-G.
Identifiers: ClinVar variation 692701 (VCV000692701.1), dbSNP rs1603220786, ClinGen allele CA414791390.